The following is an entry in ClinVar:

ClinVar aggregate classification (germline): Uncertain significance (1 of 4 stars; one submission).

Allele frequency attached by ClinVar (database versions not stated): gnomAD 0.00001; gnomAD exomes 0.00002 and 0.00003; TOPMed 0.00002.
gnomAD v4.1: 48 of 1,537,124 alleles (0.0031%); highest among the groups gnomAD compares: Admixed American, 0.0078%; no homozygotes.

Submission:

Center for Pediatric Genomic Medicine, Children's Mercy Hospital and Clinics
Classification: Uncertain significance. Last evaluated: 2015-12-21. Review status: criteria provided, single submitter. Criteria: ACMG Guidelines, 2015. Collection method: clinical testing. Allele origin: germline.
ClinVar note: Converted during submission from Uncertain Significance to Uncertain significance.

NM_001378183.1(PIEZO2):c.3848A>G (p.Asn1283Ser)

Gene: PIEZO2 (piezo type mechanosensitive ion channel component 2; minus strand). Cytogenetic location: 18p11.22.
Variant type: single nucleotide variant.
Coding change: c.3848A>G on transcript NM_001378183.1 (MANE Select); coding-DNA position 3848, A replaced by G.
Protein change: p.Asn1283Ser; replaces asparagine 1283 with serine.
Molecular consequence: missense variant.
Genome position (GRCh38, 1-based): chr18:10,758,044, T>C on the plus strand (A>G on the coding strand, the complement: PIEZO2 is on the minus strand). VCF-style: chr18-10758044-T-C. GRCh37 (hg19) VCF-style: chr18-10758042-T-C.
Other names: c.3773A>G, p.Asn1258Ser (NM_022068.4); short protein forms N1258S, N1283S.
Identifiers: ClinVar variation 235373 (VCV000235373.3), dbSNP rs878853021, ClinGen allele CA10581290.